The following is an entry in ClinVar:

ClinVar aggregate classification (germline): Uncertain significance (1 of 4 stars; one submission).

Conditions:
Fanconi anemia (FA). Also called: Fanconi's anemia. Identifiers: Orphanet 84, MedGen C0015625, MeSH D005199, MONDO:0019391.

Submission:

Labcorp Genetics (formerly Invitae), Labcorp
Classification: Uncertain significance for Fanconi anemia. Last evaluated: 2023-05-11. Review status: criteria provided, single submitter. Criteria: Invitae Variant Classification Sherloc (09022015). Collection method: clinical testing. Allele origin: germline.
Comment: In summary, the available evidence is currently insufficient to determine the role of this variant in disease. Therefore, it has been classified as a Variant of Uncertain Significance. This variant has not been reported in the literature in individuals affected with SLX4-related conditions. This variant is not present in population databases (gnomAD no frequency). This sequence change replaces aspartic acid, which is acidic and polar, with tyrosine, which is neutral and polar, at codon 185 of the SLX4 protein (p.Asp185Tyr). An algorithm developed to predict the effect of missense changes on protein structure and function (PolyPhen-2) suggests that this variant is likely to be disruptive.

NM_032444.4(SLX4):c.553G>T (p.Asp185Tyr)

Gene: SLX4 (SLX4 structure-specific endonuclease subunit; minus strand). Cytogenetic location: 16p13.3.
Variant type: single nucleotide variant.
Coding change: c.553G>T on transcript NM_032444.4 (MANE Select); coding-DNA position 553, G replaced by T.
Protein change: p.Asp185Tyr; replaces aspartic acid 185 with tyrosine.
Molecular consequence: missense variant.
Genome position (GRCh38, 1-based): chr16:3,606,681, C>A on the plus strand (G>T on the coding strand, the complement: SLX4 is on the minus strand). VCF-style: chr16-3606681-C-A. GRCh37 (hg19) VCF-style: chr16-3656682-C-A.
Other names: short protein forms D185Y.
Identifiers: ClinVar variation 2912356 (VCV002912356.3), dbSNP rs201769293, ClinGen allele CA394546867.